The following is an entry in ClinVar:

ClinVar aggregate classification (germline): Uncertain significance. Review status: criteria provided, multiple submitters, no conflicts (2 of 4 stars). 4 submissions from 4 submitters: Uncertain significance (4). Last evaluated 2025-07-21.

Conditions:
Nephronophthisis. Also called: Juvenile Nephronophthisis. Identifiers: Orphanet 655, MedGen C0687120, MONDO:0019005, HP:0000090.
IQCB1-related disorder. Also called: IQCB1-related condition.
Senior-Loken syndrome 5 (SLSN5). Identifiers: Orphanet 3156, MedGen C1836517, MONDO:0012225, OMIM 609254.

Allele frequency attached by ClinVar (database versions not stated): gnomAD 0.00001; TOPMed 0.00002; ExAC 0.00003; gnomAD exomes 0.00005.
gnomAD v4.1: 24 of 1,613,962 alleles (0.0015%); highest among the groups gnomAD compares: Admixed American, 0.022%; no homozygotes.

Submissions (4):

Labcorp Genetics (formerly Invitae), Labcorp
Classification: Uncertain significance for Nephronophthisis. Last evaluated: 2025-07-21. Review status: criteria provided, single submitter. Criteria: Invitae Variant Classification Sherloc (09022015). Collection method: clinical testing. Allele origin: germline.
Comment: This sequence change replaces methionine, which is neutral and non-polar, with valine, which is neutral and non-polar, at codon 474 of the IQCB1 protein (p.Met474Val). This variant is present in population databases (rs764720012, gnomAD 0.02%). This variant has not been reported in the literature in individuals affected with IQCB1-related conditions. ClinVar contains an entry for this variant (Variation ID: 961597). Invitae Evidence Modeling of protein sequence and biophysical properties (such as structural, functional, and spatial information, amino acid conservation, physicochemical variation, residue mobility, and thermodynamic stability) indicates that this missense variant is not expected to disrupt IQCB1 protein function with a negative predictive value of 80%. In summary, the available evidence is currently insufficient to determine the role of this variant in disease. Therefore, it has been classified as a Variant of Uncertain Significance.

PreventionGenetics, part of Exact Sciences
Classification: Uncertain significance for IQCB1-related condition. Last evaluated: 2025-01-27. Review status: criteria provided, single submitter. Criteria: ACMG Guidelines, 2015. Collection method: clinical testing. Allele origin: germline.
Comment: The IQCB1 c.1420A>G variant is predicted to result in the amino acid substitution p.Met474Val. To our knowledge, this variant has not been reported in the literature. This variant is present in 0.026% of alleles in individuals of Latino descent in gnomAD. At this time, the clinical significance of this variant is uncertain due to the absence of conclusive functional and genetic evidence.

Fulgent Genetics
Classification: Uncertain significance for Senior-Loken syndrome 5. Last evaluated: 2022-03-11. Review status: criteria provided, single submitter. Criteria: ACMG Guidelines, 2015. Collection method: clinical testing. Allele origin: unknown.

Breakthrough Genomics
Classification: Uncertain significance. Review status: criteria provided, single submitter. Criteria: ACMG Guidelines, 2015. Collection method: not provided. Allele origin: germline. Inheritance: Autosomal recessive inheritance. Affected: yes.

NM_001023570.4(IQCB1):c.1420A>G (p.Met474Val)

Gene: IQCB1 (IQ motif containing B1; minus strand). Cytogenetic location: 3q13.33.
Variant type: single nucleotide variant.
Coding change: c.1420A>G on transcript NM_001023570.4 (MANE Select); coding-DNA position 1420, A replaced by G.
Protein change: p.Met474Val; replaces methionine 474 with valine.
Molecular consequence: missense variant. On other transcripts: non-coding transcript variant (1).
Genome position (GRCh38, 1-based): chr3:121,772,704, T>C on the plus strand (A>G on the coding strand, the complement: IQCB1 is on the minus strand). VCF-style: chr3-121772704-T-C. GRCh37 (hg19) VCF-style: chr3-121491551-T-C.
Other names: c.1420A>G (NM_001023570.3); c.1021A>G, p.Met341Val (NM_001023571.4); c.1420A>G, p.Met474Val (NM_001319107.2); short protein forms M341V, M474V.
Identifiers: ClinVar variation 961597 (VCV000961597.9), dbSNP rs764720012, ClinGen allele CA2567094.